The following is an entry in ClinVar:

ClinVar aggregate classification (germline): Uncertain significance (0 of 4 stars; one submission).

Conditions:
ISL1-related disorder. Also called: ISL1-related condition.

gnomAD v4.1: 19 of 1,613,810 alleles (0.0012%); highest among the groups gnomAD compares: Non-Finnish European, 0.0016%; no homozygotes.

Submission:

PreventionGenetics, part of Exact Sciences
Classification: Uncertain significance for ISL1-related condition. Last evaluated: 2024-08-07. Review status: no assertion criteria provided. Collection method: clinical testing. Allele origin: germline.
Comment: The ISL1 c.820G>C variant is predicted to result in the amino acid substitution p.Asp274His. To our knowledge, this variant has not been reported in the literature. This variant is reported in 0.0035% of alleles in individuals of European (Non-Finnish) descent in gnomAD. At this time, the clinical significance of this variant is uncertain due to the absence of conclusive functional and genetic evidence.

NM_002202.3(ISL1):c.820G>C (p.Asp274His)

Gene: ISL1 (ISL LIM homeobox 1; plus strand). Cytogenetic location: 5q11.1.
Variant type: single nucleotide variant.
Coding change: c.820G>C on transcript NM_002202.3 (MANE Select); coding-DNA position 820, G replaced by C.
Protein change: p.Asp274His; replaces aspartic acid 274 with histidine.
Molecular consequence: missense variant.
Genome position (GRCh38, 1-based): chr5:51,391,328, G>C. VCF-style: chr5-51391328-G-C. GRCh37 (hg19) VCF-style: chr5-50687162-G-C.
Other names: short protein forms D274H.
Identifiers: ClinVar variation 3357919 (VCV003357919.1).
Genomic context (GRCh38, chr5:51,391,328, plus strand): 5'-TCACAGAATATCCAGGGGATGACAGGAACTCCCATGGTGGCTGCCAGTCCAGAGAGACAC[G>C]ACGGTGGCTTACAGGCTAACCCAGTGGAAGTACAAAGTTACCAGCCACCTTGGAAAGTAC-3'
Protein context (NP_002193.2, residues 264-284): PMVAASPERH[Asp274His]GGLQANPVEV